The following is an entry in ClinVar:

NM_000535.7(PMS2):c.712A>T (p.Ser238Cys)

Gene: PMS2 (PMS1 homolog 2, mismatch repair system component; minus strand). Cytogenetic location: 7p22.1.
Variant type: single nucleotide variant.
Coding change: c.712A>T on transcript NM_000535.7 (MANE Select); coding-DNA position 712, A replaced by T.
Protein change: p.Ser238Cys; replaces serine 238 with cysteine.
Molecular consequence: missense variant. On other transcripts: intron variant (3), non-coding transcript variant (1), 5 prime UTR variant (2).
Genome position (GRCh38, 1-based): chr7:5,997,417, T>A on the plus strand (A>T on the coding strand, the complement: PMS2 is on the minus strand). VCF-style: chr7-5997417-T-A. GRCh37 (hg19) VCF-style: chr7-6037048-T-A.
Other names: c.705+1691A>T (NM_001406873.1); c.199A>T, p.Ser67Cys (NM_001406905.1, NM_001406904.1); c.307A>T, p.Ser103Cys (NM_001406906.1, NM_001406907.1, NM_001406908.1 and 20 more transcripts); c.139A>T, p.Ser47Cys (NM_001406909.1, NM_001322013.2); c.712A>T, p.Ser238Cys (NM_001406912.1, NM_001322006.2, NM_001322014.2 and 3 more transcripts); c.132+5036A>T (NM_001406911.1); c.537+5036A>T (NM_001406886.1); c.403A>T, p.Ser135Cys (NM_001406900.1, NM_001406875.1, NM_001406877.1 and 6 more transcripts); and 7 more; short protein forms S135C, S246C, S103C, S126C, S202C, S238C, S132C, S182C.
Identifiers: ClinVar variation 2864298 (VCV002864298.3), dbSNP rs1060503149, ClinGen allele CA366743784.

ClinVar aggregate classification (germline): Uncertain significance (1 of 4 stars; one submission).

Conditions:
Hereditary nonpolyposis colorectal neoplasms. Identifiers: MedGen C0009405, MeSH D003123.

Submission:

Labcorp Genetics (formerly Invitae), Labcorp
Classification: Uncertain significance for Hereditary nonpolyposis colorectal neoplasms. Last evaluated: 2023-05-15. Review status: criteria provided, single submitter. Criteria: Invitae Variant Classification Sherloc (09022015). Collection method: clinical testing. Allele origin: germline.
Comment: In summary, the available evidence is currently insufficient to determine the role of this variant in disease. Therefore, it has been classified as a Variant of Uncertain Significance. Advanced modeling of protein sequence and biophysical properties (such as structural, functional, and spatial information, amino acid conservation, physicochemical variation, residue mobility, and thermodynamic stability) has been performed at Invitae for this missense variant, however the output from this modeling did not meet the statistical confidence thresholds required to predict the impact of this variant on PMS2 protein function. This variant has not been reported in the literature in individuals affected with PMS2-related conditions. This variant is not present in population databases (gnomAD no frequency). This sequence change replaces serine, which is neutral and polar, with cysteine, which is neutral and slightly polar, at codon 238 of the PMS2 protein (p.Ser238Cys).